The following is an entry in ClinVar:

ClinVar aggregate classification (germline): Likely pathogenic. Review status: criteria provided, multiple submitters, no conflicts (2 of 4 stars). 2 submissions from 2 submitters: Likely pathogenic (2). Last evaluated 2024-03-08.

Conditions:
Ethylmalonic encephalopathy (EE). Also called: EPEMA syndrome; Encephalopathy, petechiae, and ethylmalonic aciduria; Syndrome of encephalopathy, petechiae, and ethylmalonic aciduria. Identifiers: Orphanet 51188, MedGen C1865349, MONDO:0011229, OMIM 602473. Disease mechanism: loss of function.

Submissions (2):

Natera, Inc.
Classification: Likely pathogenic for Ethylmalonic encephalopathy. Last evaluated: 2024-03-08. Review status: criteria provided, single submitter. Criteria: Natera Variant Classification Schema (03/2026). Collection method: clinical testing. Allele origin: germline.
Comment: The c.227-1G>T variant in ETHE1 is a canonical splice acceptor site variant predicted to affect pre-mRNA splicing, which may result in an abnormal transcript and altered protein product. This variant is expected to result in nonsense mediated decay, truncation, or a dysfunctional protein product. This variant is rare in the general population with a frequency below the threshold expected for the associated phenotype(s). Given the available evidence, this variant is classified as Likely Pathogenic.

Baylor Genetics
Classification: Likely pathogenic for Ethylmalonic encephalopathy. Last evaluated: 2023-11-09. Review status: criteria provided, single submitter. Criteria: ACMG Guidelines, 2015. Collection method: clinical testing. Allele origin: unknown.

NM_014297.5(ETHE1):c.227-1G>T

Gene: ETHE1 (ETHE1 persulfide dioxygenase; minus strand). Cytogenetic location: 19q13.31.
Variant type: single nucleotide variant.
Coding change: c.227-1G>T on transcript NM_014297.5 (MANE Select); the canonical splice acceptor site of the intron before coding-DNA position 227, G replaced by T.
Molecular consequence: splice acceptor variant. On other transcripts: intron variant (3).
Genome position (GRCh38, 1-based): chr19:43,526,350, C>A on the plus strand (G>T on the coding strand, the complement: ETHE1 is on the minus strand). VCF-style: chr19-43526350-C-A. GRCh37 (hg19) VCF-style: chr19-44030502-C-A.
Other names: c.81+747G>T (NM_001320869.2); c.6+165G>T (NM_001320868.2); c.227-34G>T (NM_001320867.2); c.227-1G>T (NM_014297.4).
Identifiers: ClinVar variation 2675140 (VCV002675140.3), dbSNP rs2513629634, ClinGen allele CA406180178.
Genomic context (GRCh38, chr19:43,526,350, plus strand): 5'-GGAGGAGGGAACGGAGCAGCCCCGAGCCTGTAATGTGGTCCGCGTGGCAGTGGGTATTCA[C>A]TGGGAGAGAGAGGAGGGACAGGTCCGGAGGGTACAGAAAGGACCTGGGAGTCCCAGCCCA-3'